The following is an entry in ClinVar:

ClinVar aggregate classification (germline): Uncertain significance (1 of 4 stars; one submission).

Allele frequency attached by ClinVar (database versions not stated): gnomAD exomes below 0.00001.
gnomAD v4.1: 2 of 1,612,482 alleles (0.00012%); highest among the groups gnomAD compares: Non-Finnish European, 0.00017%; no homozygotes.

Submission:

Labcorp Genetics (formerly Invitae), Labcorp
Classification: Uncertain significance. Last evaluated: 2022-11-09. Review status: criteria provided, single submitter. Criteria: Invitae Variant Classification Sherloc (09022015). Collection method: clinical testing. Allele origin: germline.
Comment: In summary, the available evidence is currently insufficient to determine the role of this variant in disease. Therefore, it has been classified as a Variant of Uncertain Significance. Advanced modeling of protein sequence and biophysical properties (such as structural, functional, and spatial information, amino acid conservation, physicochemical variation, residue mobility, and thermodynamic stability) performed at Invitae indicates that this missense variant is not expected to disrupt NFKB1 protein function. This variant has not been reported in the literature in individuals affected with NFKB1-related conditions. This variant is not present in population databases (gnomAD no frequency). This sequence change replaces isoleucine, which is neutral and non-polar, with valine, which is neutral and non-polar, at codon 142 of the NFKB1 protein (p.Ile142Val).

NM_003998.4(NFKB1):c.424A>G (p.Ile142Val)

Gene: NFKB1 (nuclear factor kappa B subunit 1; plus strand). Cytogenetic location: 4q24.
Variant type: single nucleotide variant.
Coding change: c.424A>G on transcript NM_003998.4 (MANE Select); coding-DNA position 424, A replaced by G.
Protein change: p.Ile142Val; replaces isoleucine 142 with valine.
Molecular consequence: missense variant.
Genome position (GRCh38, 1-based): chr4:102,576,892, A>G. VCF-style: chr4-102576892-A-G. GRCh37 (hg19) VCF-style: chr4-103498049-A-G.
Other names: c.421A>G, p.Ile141Val (NM_001165412.2, NM_001319226.2, NM_001382627.1); c.424A>G, p.Ile142Val (NM_001382625.1, NM_001382626.1); c.382A>G, p.Ile128Val (NM_001382628.1); short protein forms I141V, I128V, I142V.
Identifiers: ClinVar variation 2811024 (VCV002811024.3), dbSNP rs2476402802, ClinGen allele CA357959073.